The following is an entry in ClinVar:

NM_014491.4(FOXP2):c.434A>G (p.Gln145Arg)

Gene: FOXP2 (forkhead box P2; plus strand). Cytogenetic location: 7q31.1.
Variant type: single nucleotide variant.
Coding change: c.434A>G on transcript NM_014491.4 (MANE Select); coding-DNA position 434, A replaced by G.
Protein change: p.Gln145Arg; replaces glutamine 145 with arginine.
Molecular consequence: missense variant. On other transcripts: non-coding transcript variant (2).
Genome position (GRCh38, 1-based): chr7:114,629,842, A>G. VCF-style: chr7-114629842-A-G. GRCh37 (hg19) VCF-style: chr7-114269897-A-G.
Other names: c.434A>G, p.Gln145Arg (NM_001172766.3, NM_148899.3); c.509A>G, p.Gln170Arg (NM_001172767.2, NM_148898.4); c.485A>G, p.Gln162Arg (NM_148900.4); short protein forms Q145R, Q162R, Q170R.
Identifiers: ClinVar variation 3361477 (VCV003361477.1).

ClinVar aggregate classification (germline): Uncertain significance (1 of 4 stars; one submission).

gnomAD v4.1: 3 of 1,613,972 alleles (0.00019%); highest among the groups gnomAD compares: South Asian, 0.0022%; no homozygotes.

Submission:

GeneDx
Classification: Uncertain significance. Last evaluated: 2023-08-02. Review status: criteria provided, single submitter. Criteria: GeneDx Variant Classification Process June 2021. Collection method: clinical testing. Allele origin: germline. Affected: yes.
Comment: Not observed at significant frequency in large population cohorts (gnomAD); In silico analysis supports that this missense variant has a deleterious effect on protein structure/function; Has not been previously published as pathogenic or benign to our knowledge